The following is an entry in ClinVar:

NM_001199107.2(TBC1D24):c.743T>C (p.Leu248Pro)

Gene: TBC1D24 (TBC1 domain family member 24; plus strand). Cytogenetic location: 16p13.3.
Variant type: single nucleotide variant.
Coding change: c.743T>C on transcript NM_001199107.2 (MANE Select); coding-DNA position 743, T replaced by C.
Protein change: p.Leu248Pro; replaces leucine 248 with proline.
Molecular consequence: missense variant.
Genome position (GRCh38, 1-based): chr16:2,496,891, T>C. VCF-style: chr16-2496891-T-C. GRCh37 (hg19) VCF-style: chr16-2546892-T-C.
Other names: c.743T>C, p.Leu248Pro (NM_020705.3); short protein forms L248P.
Identifiers: ClinVar variation 4812440 (VCV004812440.1).
Genomic context (GRCh38, chr16:2,496,891, plus strand): 5'-TCTTTGACGTCTTCCTGGTGGAGGGCTACAAGGTGCTGTACCGCGTGGCGCTGGCCATCC[T>C]CAAGTTCTTCCACAAGGTGAGGGCCGGGCAGCCGCTGGAGTCGGACAGCGTGAAGCAGGA-3'
Protein context (NP_001186036.1, residues 238-258): KVLYRVALAI[Leu248Pro]KFFHKVRAGQ

ClinVar aggregate classification (germline): Uncertain significance (1 of 4 stars; one submission).

Conditions:
Autosomal dominant nonsyndromic hearing loss 65. Also called: Deafness, autosomal dominant 65; TBC1D24-Related Autosomal Dominant Nonsyndromic Hearing Loss (DFNA). Identifiers: Orphanet 90635, MedGen C3892048, MONDO:0014470, OMIM 616044.
Developmental and epileptic encephalopathy, 1 (DEE1). Also called: INFANTILE SPASM SYNDROME, X-LINKED 1; X-linked infantile spasms; West's syndrome; Tonic spasms with clustering, arrest of psychomotor development and hypsarrhythmia on EEG; X-Linked Infantile Spasm Syndrome; OHTAHARA SYNDROME, X-LINKED. Identifiers: MedGen C3463992, MONDO:0010632, OMIM 308350. Disease mechanism: loss of function.

Submission:

Labcorp Genetics (formerly Invitae), Labcorp
Classification: Uncertain significance for Developmental and epileptic encephalopathy, 1; Autosomal dominant nonsyndromic hearing loss 65. Last evaluated: 2025-11-27. Review status: criteria provided, single submitter. Criteria: Invitae Variant Classification Sherloc (09022015). Collection method: clinical testing. Allele origin: germline.
Comment: This sequence change replaces leucine, which is neutral and non-polar, with proline, which is neutral and non-polar, at codon 248 of the TBC1D24 protein (p.Leu248Pro). This variant is not present in population databases (gnomAD no frequency). This variant has not been reported in the literature in individuals affected with TBC1D24-related conditions. Invitae Evidence Modeling of protein sequence and biophysical properties (such as structural, functional, and spatial information, amino acid conservation, physicochemical variation, residue mobility, and thermodynamic stability) indicates that this missense variant is expected to disrupt TBC1D24 protein function with a positive predictive value of 95%. In summary, the available evidence is currently insufficient to determine the role of this variant in disease. Therefore, it has been classified as a Variant of Uncertain Significance.